The following is an entry in ClinVar:

NM_080669.6(SLC46A1):c.164T>G (p.Leu55Arg)

Gene: SLC46A1 (solute carrier family 46 member 1; minus strand). Cytogenetic location: 17q11.2.
Variant type: single nucleotide variant.
Coding change: c.164T>G on transcript NM_080669.6 (MANE Select); coding-DNA position 164, T replaced by G.
Protein change: p.Leu55Arg; replaces leucine 55 with arginine.
Molecular consequence: missense variant.
Genome position (GRCh38, 1-based): chr17:28,405,951, A>C on the plus strand (T>G on the coding strand, the complement: SLC46A1 is on the minus strand). VCF-style: chr17-28405951-A-C. GRCh37 (hg19) VCF-style: chr17-26732969-A-C.
Other names: c.164T>G, p.Leu55Arg (NM_001242366.3); short protein forms L55R.
Identifiers: ClinVar variation 3711112 (VCV003711112.2).

ClinVar aggregate classification (germline): Uncertain significance (1 of 4 stars; one submission).

gnomAD v4.1: 5 of 1,611,212 alleles (0.00031%); highest among the groups gnomAD compares: African/African-American, 0.0027%; no homozygotes.

Submission:

Labcorp Genetics (formerly Invitae), Labcorp
Classification: Uncertain significance. Last evaluated: 2024-03-17. Review status: criteria provided, single submitter. Criteria: Invitae Variant Classification Sherloc (09022015). Collection method: clinical testing. Allele origin: germline.
Comment: This sequence change replaces leucine, which is neutral and non-polar, with arginine, which is basic and polar, at codon 55 of the SLC46A1 protein (p.Leu55Arg). This variant is present in population databases (rs781863442, gnomAD 0.0009%). This variant has not been reported in the literature in individuals affected with SLC46A1-related conditions. Advanced modeling of protein sequence and biophysical properties (such as structural, functional, and spatial information, amino acid conservation, physicochemical variation, residue mobility, and thermodynamic stability) performed at Invitae indicates that this missense variant is not expected to disrupt SLC46A1 protein function with a negative predictive value of 80%. In summary, the available evidence is currently insufficient to determine the role of this variant in disease. Therefore, it has been classified as a Variant of Uncertain Significance.